The following is an entry in ClinVar:

NM_145331.3(MAP3K7):c.95A>G (p.Asp32Gly)

Gene: MAP3K7 (mitogen-activated protein kinase kinase kinase 7; minus strand). Cytogenetic location: 6q15.
Variant type: single nucleotide variant.
Coding change: c.95A>G on transcript NM_145331.3 (MANE Select); coding-DNA position 95, A replaced by G.
Protein change: p.Asp32Gly; replaces aspartic acid 32 with glycine.
Molecular consequence: missense variant.
Genome position (GRCh38, 1-based): chr6:90,586,789, T>C on the plus strand (A>G on the coding strand, the complement: MAP3K7 is on the minus strand). VCF-style: chr6-90586789-T-C. GRCh37 (hg19) VCF-style: chr6-91296508-T-C.
Other names: c.95A>G, p.Asp32Gly (NM_003188.4, NM_145332.3, NM_145333.3); short protein forms D32G.
Identifiers: ClinVar variation 2896888 (VCV002896888.3), dbSNP rs779720104, ClinGen allele CA3928767.
Genomic context (GRCh38, chr6:90,586,789, plus strand): 5'-CCGGGACCGGCGTCTCCATGCCGGGCCTCGCTCACCTCTTCCACCTCGATCTCCTTGTAG[T>C]CGATCTCTTCAAAGTTGAGGACCTGGGAAGGGGCTTCGATCATCTCACCGGCCGAAGACG-3'
Protein context (NP_663304.1, residues 22-42): PSQVLNFEEI[Asp32Gly]YKEIEVEEVV

ClinVar aggregate classification (germline): Uncertain significance (1 of 4 stars; one submission).

Allele frequency attached by ClinVar (database versions not stated): ExAC 0.00001; gnomAD 0.00001; gnomAD exomes 0.00002.
gnomAD v4.1: 31 of 1,607,612 alleles (0.0019%); highest among the groups gnomAD compares: Admixed American, 0.0084%; no homozygotes.

Submission:

Labcorp Genetics (formerly Invitae), Labcorp
Classification: Uncertain significance. Last evaluated: 2023-07-07. Review status: criteria provided, single submitter. Criteria: Invitae Variant Classification Sherloc (09022015). Collection method: clinical testing. Allele origin: germline.
Comment: This sequence change replaces aspartic acid, which is acidic and polar, with glycine, which is neutral and non-polar, at codon 32 of the MAP3K7 protein (p.Asp32Gly). This variant is present in population databases (rs779720104, gnomAD 0.003%). This variant has not been reported in the literature in individuals affected with MAP3K7-related conditions. An algorithm developed to predict the effect of missense changes on protein structure and function (PolyPhen-2) suggests that this variant is likely to be disruptive. In summary, the available evidence is currently insufficient to determine the role of this variant in disease. Therefore, it has been classified as a Variant of Uncertain Significance.